The following is an entry in ClinVar:

ClinVar aggregate classification (germline): Pathogenic (1 of 4 stars; one submission).

Conditions:
Tuberous sclerosis 1 (TSC1). Identifiers: Orphanet 805, MedGen C1854465, MONDO:0008612, OMIM 191100.

Submission:

Labcorp Genetics (formerly Invitae), Labcorp
Classification: Pathogenic for Tuberous sclerosis 1. Last evaluated: 2024-05-02. Review status: criteria provided, single submitter. Criteria: Invitae Variant Classification Sherloc (09022015). Collection method: clinical testing. Allele origin: germline.
Comment: This sequence change creates a premature translational stop signal (p.Pro399Hisfs*41) in the TSC1 gene. It is expected to result in an absent or disrupted protein product. Loss-of-function variants in TSC1 are known to be pathogenic (PMID: 10227394, 17304050). This variant is not present in population databases (gnomAD no frequency). This variant has not been reported in the literature in individuals affected with TSC1-related conditions. For these reasons, this variant has been classified as Pathogenic.

Literature cited by the submitters: PubMed 10227394; PubMed 17304050.

NM_000368.5(TSC1):c.1196del (p.Pro399fs)

Gene: TSC1 (TSC complex subunit 1; minus strand). Cytogenetic location: 9q34.13.
Variant type: Deletion.
Coding change: c.1196del on transcript NM_000368.5 (MANE Select); coding-DNA position 1196, one base deleted (C; older notation c.1196delC).
Protein change: p.Pro399fs; shifts the reading frame from proline 399.
Molecular consequence: frameshift variant. On other transcripts: non-coding transcript variant (5).
Genome position (GRCh38, 1-based): chr9:132,910,638, G deleted on the plus strand (C on the coding strand, the reverse complement: TSC1 is on the minus strand); the first of 4 consecutive G bases (chr9:132,910,638-132,910,641); deleting any one gives the same sequence. VCF-style (leftmost placement, unchanged base first): chr9-132910637-TG-T. GRCh37 (hg19) VCF-style: chr9-135786024-TG-T.
Other names: c.1193del, p.Pro398fs (NM_001162426.2, NM_001406597.1, NM_001406598.1 and 6 more transcripts); c.1043del, p.Pro348fs (NM_001162427.2, NM_001406610.1); c.833del, p.Pro278fs (NM_001362177.2, NM_001406614.1, NM_001406615.1 and 5 more transcripts); c.1196del, p.Pro399fs (NM_001406592.1, NM_001406593.1, NM_001406594.1 and 7 more transcripts); c.1040del, p.Pro347fs (NM_001406611.1, NM_001406612.1, NM_001406613.1); c.830del, p.Pro277fs (NM_001406620.1, NM_001406621.1, NM_001406622.1 and 2 more transcripts); c.245del, p.Pro82fs (NM_001406626.1); c.242del, p.Pro81fs (NM_001406627.1, NM_001406628.1); and 1 more; short protein forms P277fs, P347fs, P278fs, P348fs, P399fs, P82fs, P48fs, P81fs.
Identifiers: ClinVar variation 3643111 (VCV003643111.2).